The following is an entry in ClinVar:

NM_001844.5(COL2A1):c.1177G>A (p.Gly393Ser)

Gene: COL2A1 (collagen type II alpha 1 chain; minus strand). Cytogenetic location: 12q13.11.
Variant type: single nucleotide variant.
Coding change: c.1177G>A on transcript NM_001844.5 (MANE Select); coding-DNA position 1177, G replaced by A.
Protein change: p.Gly393Ser; replaces glycine 393 with serine.
Molecular consequence: missense variant.
Genome position (GRCh38, 1-based): chr12:47,987,655, C>T on the plus strand (G>A on the coding strand, the complement: COL2A1 is on the minus strand). VCF-style: chr12-47987655-C-T. GRCh37 (hg19) VCF-style: chr12-48381438-C-T.
Other names: c.970G>A, p.Gly324Ser (NM_033150.3); short protein forms G393S, G324S.
Identifiers: ClinVar variation 547252 (VCV000547252.12), dbSNP rs1025202963, ClinGen allele CA236528118.

ClinVar aggregate classification (germline): Pathogenic. Review status: criteria provided, multiple submitters, no conflicts (2 of 4 stars). 6 submissions from 6 submitters: Pathogenic (6). Last evaluated 2026-10-17.

Conditions:
COL2A1-related disorder. Also called: COL2A1-related condition; COL2A1-related disorders.
Spondyloepiphyseal dysplasia congenita (SEDC). Also called: SED CONGENITA; SPONDYLOEPIPHYSEAL DYSPLASIA, CONGENITAL TYPE. Identifiers: Orphanet 94068, MedGen C2745959, MONDO:0008471, OMIM 183900.
Stickler syndrome type 1 (STL1). Also called: STICKLER SYNDROME, MEMBRANOUS VITREOUS TYPE; STICKLER SYNDROME, VITREOUS TYPE 1; COL2A1-Related Stickler Syndrome; ARTHROOPHTHALMOPATHY, HEREDITARY PROGRESSIVE. Identifiers: Orphanet 828, Orphanet 90653, MedGen C2020284, MONDO:0007160, OMIM 108300.

Allele frequency attached by ClinVar (database versions not stated): gnomAD exomes below 0.00001.
gnomAD v4.1: 3 of 1,613,306 alleles (0.00019%); highest among the groups gnomAD compares: Non-Finnish European, 0.00017%; no homozygotes.

Submissions (6):

GeneDx
Classification: Pathogenic. Last evaluated: 2026-10-17. Review status: criteria provided, single submitter. Criteria: GeneDx Variant Classification Process June 2021. Collection method: clinical testing. Allele origin: germline.
Comment: In silico analysis supports that this missense variant has a deleterious effect on protein structure/function; Not observed at significant frequency in large population cohorts (gnomAD); Occurs in the triple helical domain and replaces a glycine in a canonical Gly-X-Y repeat; missense substitution of a canonical glycine residue is expected to disrupt normal protein folding and function, and this is an established mechanism of disease (PMID: 34007986); This variant is associated with the following publications: (PMID: 20131279, 35726512, 15895462, 34007986)

Clinical Biomedical Laboratory, Shriners Hospital For Children - Canada
Classification: Pathogenic for Spondyloepiphyseal dysplasia congenita. Last evaluated: 2026-03-10. Review status: criteria provided, single submitter. Criteria: ACMG Guidelines, 2015. Collection method: clinical testing. Allele origin: germline. Affected: yes.
Comment: This variant is predicted to substitute a glycine residue by a serine residue in the COL2A1 gene. This variant is absent from general population databases (Genome Aggregation Database v2.1.1), indicating it is rare. The variant is reported in ClinVar. This variant has been reported in the literature (PMID: 15895462) in individuals with spondyloepiphyseal dysplasia. Based on the ACMG variant interpretation guidelines, the available evidence supports classification of this variant as pathogenic.

Labcorp Genetics (formerly Invitae), Labcorp
Classification: Pathogenic. Last evaluated: 2025-12-18. Review status: criteria provided, single submitter. Criteria: Invitae Variant Classification Sherloc (09022015). Collection method: clinical testing. Allele origin: germline.
Comment: This sequence change replaces glycine, which is neutral and non-polar, with serine, which is neutral and polar, at codon 393 of the COL2A1 protein (p.Gly393Ser). This variant is not present in population databases (gnomAD no frequency). This missense change has been observed in individual(s) with autosomal dominant spondyloepiphyseal dysplasia congenita or early onset arthritis (PMID: 15895462, 20131279). It has also been observed to segregate with disease in related individuals. ClinVar contains an entry for this variant (Variation ID: 547252). Invitae Evidence Modeling of protein sequence and biophysical properties (such as structural, functional, and spatial information, amino acid conservation, physicochemical variation, residue mobility, and thermodynamic stability) indicates that this missense variant is expected to disrupt COL2A1 protein function with a positive predictive value of 95%. This variant disrupts the triple helix domain of COL2A1. Glycine residues within the Gly-Xaa-Yaa repeats of the triple helix domain are required for the structure and stability of fibrillar collagens (PMID: 7695699, 8218237, 19344236). In COL2A1, variants affecting these glycine residues are significantly enriched in individuals with disease (PMID: 9016532, 17078022) compared to the general population (ExAC). For these reasons, this variant has been classified as Pathogenic.

Blueprint Genetics
Classification: Pathogenic for COL2A1-related disorders. Last evaluated: 2024-08-16. Review status: criteria provided, single submitter. Criteria: ACMG Guidelines, 2015. Collection method: clinical testing. Allele origin: germline. Affected: yes. Observed: 2 variant alleles.

3billion
Classification: Pathogenic for Spondyloepiphyseal dysplasia congenita. Last evaluated: 2023-10-20. Review status: criteria provided, single submitter. Criteria: ACMG Guidelines, 2015. Collection method: clinical testing. Allele origin: germline. Affected: yes.
Comment: The variant is not observed in the gnomAD v2.1.1 dataset. Predicted Consequence/Location: Missense changes are a common disease-causing mechanism. In silico tool predictions suggest damaging effect of the variant on gene or gene product [REVEL: 0.95 (>=0.6, sensitivity 0.68 and specificity 0.92); 3Cnet: 1.00 (>=0.6, sensitivity 0.72 and precision 0.9)]. Same nucleotide change resulting in same amino acid change has been previously reported as pathogenic/likely pathogenic with strong evidence (ClinVar ID: VCV000547252 /PMID: 15895462). The variant has been observed in multiple (>3) similarly affected unrelated individuals (PMID: 15895462, 20131279). Therefore, this variant is classified as Pathogenic according to the recommendation of ACMG/AMP guideline.

Center for Human Genetics, Inc
Classification: Pathogenic for Stickler syndrome type 1. Last evaluated: 2016-11-01. Review status: criteria provided, single submitter. Criteria: ACMG Guidelines, 2015. Collection method: clinical testing. Allele origin: germline. Affected: yes.

Literature cited by the submitters: PubMed 15895462 (cited by 3 submitters); PubMed 20131279 (cited by Labcorp Genetics (formerly Invitae), Labcorp and 3billion); PubMed 7695699 (cited by Labcorp Genetics (formerly Invitae), Labcorp); PubMed 8218237 (cited by Labcorp Genetics (formerly Invitae), Labcorp); PubMed 19344236 (cited by Labcorp Genetics (formerly Invitae), Labcorp); PubMed 9016532 (cited by Labcorp Genetics (formerly Invitae), Labcorp); PubMed 17078022 (cited by Labcorp Genetics (formerly Invitae), Labcorp).